The following is an entry in ClinVar:

ClinVar aggregate classification (germline): Conflicting classifications of pathogenicity. Review status: criteria provided, conflicting classifications (1 of 4 stars). 4 submissions from 4 submitters: Pathogenic (1); Likely pathogenic (1); Uncertain significance (1). 1 of the submissions does not count toward it. Last evaluated 2026-01-14.

Conditions:
Neuronal ceroid lipofuscinosis 2. Also called: JANSKY-BIELSCHOWSKY DISEASE NEURONAL CEROID LIPOFUSCINOSIS, LATE INFANTILE; TPP1-Related Neuronal Ceroid-Lipofuscinosis. Identifiers: Orphanet 168491, Orphanet 228349, Orphanet 79264, MedGen C1876161, MONDO:0008769, OMIM 204500.

Allele frequency attached by ClinVar (database versions not stated): gnomAD exomes below 0.00001.

Submissions (4):

Women's Health and Genetics/Laboratory Corporation of America, LabCorp
Classification: Uncertain significance. Last evaluated: 2026-01-14. Review status: criteria provided, single submitter. Criteria: LabCorp Variant Classification Summary - May 2015. Collection method: clinical testing. Allele origin: germline.
Comment: Variant summary: TPP1 c.731T>C (p.Met244Thr) results in a non-conservative amino acid change in the encoded protein sequence. Algorithms developed to predict the effect of missense changes on protein structure and function all suggest that this variant is likely to be disruptive. The variant was absent in 251162 control chromosomes. c.731T>C has been observed in individuals affected with Clinical features of Neuronal Ceroid-Lipofuscinosis (Batten Disease) (Ohba_2013, Sakamoto_2022). These data indicate that the variant may be associated with disease. To our knowledge, no experimental evidence demonstrating an impact on protein function has been reported. The following publications have been ascertained in the context of this evaluation (PMID: 24091540, 36305856). ClinVar contains an entry for this variant (Variation ID: 556877). Based on the evidence outlined above, the variant was classified as VUS-possibly pathogenic.

Natera, Inc.
Classification: Likely pathogenic for Neuronal ceroid lipofuscinosis 2. Last evaluated: 2024-12-24. Review status: criteria provided, single submitter. Criteria: Natera Variant Classification Schema (03/2026). Collection method: clinical testing. Allele origin: germline.
Comment: The c.731T>C variant in TPP1 is a missense variant predicted to cause substitution of methionine to threonine at amino acid 244. This variant is rare in the general population with a frequency below the threshold expected for the associated phenotype(s). This variant has been observed in one or more individuals affected with the associated recessive disease, as either homozygous or compound heterozygous with a second variant (PMID: 24091540, 29599076). Computational prediction algorithms indicate this variant is likely to affect gene or protein function. Given the available evidence, this variant is classified as Likely Pathogenic.

Labcorp Genetics (formerly Invitae), Labcorp
Classification: Pathogenic. Last evaluated: 2024-04-15. Review status: criteria provided, single submitter. Criteria: Invitae Variant Classification Sherloc (09022015). Collection method: clinical testing. Allele origin: germline.
Comment: This sequence change replaces methionine, which is neutral and non-polar, with threonine, which is neutral and polar, at codon 244 of the TPP1 protein (p.Met244Thr). This variant is not present in population databases (gnomAD no frequency). This missense change has been observed in individual(s) with neuronal ceroid lipofuscinosis (PMID: 24091540). In at least one individual the data is consistent with being in trans (on the opposite chromosome) from a pathogenic variant. ClinVar contains an entry for this variant (Variation ID: 556877). Advanced modeling of protein sequence and biophysical properties (such as structural, functional, and spatial information, amino acid conservation, physicochemical variation, residue mobility, and thermodynamic stability) performed at Invitae indicates that this missense variant is expected to disrupt TPP1 protein function with a positive predictive value of 95%. For these reasons, this variant has been classified as Pathogenic.

Counsyl
Classification: Uncertain significance for Neuronal ceroid lipofuscinosis 2. Last evaluated: 2018-03-01. Review status: no assertion criteria provided. Collection method: clinical testing. Allele origin: unknown. Not counted in ClinVar's aggregate classification.

Literature cited by the submitters: PubMed 24091540 (cited by 4 submitters); PubMed 36305856 (cited by Women's Health and Genetics/Laboratory Corporation of America, LabCorp); PubMed 29599076 (cited by Natera, Inc.).

NM_000391.4(TPP1):c.731T>C (p.Met244Thr)

Gene: TPP1 (tripeptidyl peptidase 1; minus strand). Cytogenetic location: 11p15.4.
Variant type: single nucleotide variant.
Coding change: c.731T>C on transcript NM_000391.4 (MANE Select); coding-DNA position 731, T replaced by C.
Protein change: p.Met244Thr; replaces methionine 244 with threonine.
Molecular consequence: missense variant.
Genome position (GRCh38, 1-based): chr11:6,616,816, A>G on the plus strand (T>C on the coding strand, the complement: TPP1 is on the minus strand). VCF-style: chr11-6616816-A-G. GRCh37 (hg19) VCF-style: chr11-6638047-A-G.
Other names: short protein forms M244T.
Identifiers: ClinVar variation 556877 (VCV000556877.6), dbSNP rs1554901895, ClinGen allele CA379475182.